The following is an entry in ClinVar:

ClinVar aggregate classification (germline): Likely benign (1 of 4 stars; one submission).

Conditions:
SEMA3A-related disorder. Also called: SEMA3A-related condition.

gnomAD v4.1: 8 of 1,613,444 alleles (0.0005%); highest among the groups gnomAD compares: African/African-American, 0.0013%; no homozygotes.

Submission:

PreventionGenetics, part of Exact Sciences
Classification: Likely benign for SEMA3A-related condition. Last evaluated: 2024-12-30. Review status: criteria provided, single submitter. Criteria: ACMG Guidelines, 2015. Collection method: clinical testing. Allele origin: germline.
Comment: This variant is classified as likely benign based on ACMG/AMP sequence variant interpretation guidelines (Richards et al. 2015 PMID: 25741868, with internal and published modifications).

NM_006080.3(SEMA3A):c.60A>T (p.Ala20=)

Gene: SEMA3A (semaphorin 3A; minus strand). Cytogenetic location: 7q21.11.
Variant type: single nucleotide variant.
Coding change: c.60A>T on transcript NM_006080.3 (MANE Select); coding-DNA position 60, A replaced by T.
Protein change: p.Ala20=; no amino-acid change (alanine 20 retained).
Molecular consequence: synonymous variant.
Genome position (GRCh38, 1-based): chr7:84,194,527, T>A on the plus strand (A>T on the coding strand, the complement: SEMA3A is on the minus strand). VCF-style: chr7-84194527-T-A. GRCh37 (hg19) VCF-style: chr7-83823843-T-A.
Identifiers: ClinVar variation 4985414 (VCV004985414.1).